The following is an entry in ClinVar:

NM_178012.5(TUBB2B):c.751C>A (p.Arg251Ser)

Gene: TUBB2B (tubulin beta 2B class IIb; minus strand). Cytogenetic location: 6p25.2.
Variant type: single nucleotide variant.
Coding change: c.751C>A on transcript NM_178012.5 (MANE Select); coding-DNA position 751, C replaced by A.
Protein change: p.Arg251Ser; replaces arginine 251 with serine.
Molecular consequence: missense variant.
Genome position (GRCh38, 1-based): chr6:3,225,338, G>T on the plus strand (C>A on the coding strand, the complement: TUBB2B is on the minus strand). VCF-style: chr6-3225338-G-T. GRCh37 (hg19) VCF-style: chr6-3225572-G-T.
Other names: short protein forms R251S.
Identifiers: ClinVar variation 432230 (VCV000432230.3), dbSNP rs756024033, ClinGen allele CA3619178.

ClinVar aggregate classification (germline): Likely pathogenic (1 of 4 stars; one submission).

Allele frequency attached by ClinVar (database versions not stated): ExAC 0.00014.

Submission:

GeneDx
Classification: Likely pathogenic. Last evaluated: 2020-08-07. Review status: criteria provided, single submitter. Criteria: GeneDx Variant Classification Process June 2021. Collection method: clinical testing. Allele origin: germline. Affected: yes.
Comment: Not observed at a significant frequency in large population cohorts (Lek et al., 2016); Missense variants in this gene are often considered pathogenic (Stenson et al., 2014); In silico analysis supports that this missense variant has a deleterious effect on protein structure/function; Has not been previously published as pathogenic or benign to our knowledge